The following continues an entry in ClinVar:

NM_007294.4(BRCA1):c.441G>C (p.Leu147Phe)

Gene: BRCA1. ClinVar aggregate classification (germline): Likely benign. Likely benign (1).

Submissions 5 to 13 of 13:

All of Us Research Program, National Institutes of Health
Classification: Uncertain significance for BRCA1-related cancer predisposition. Last evaluated: 2024-08-06. Review status: criteria provided, single submitter. Criteria: ACMG Guidelines, 2015. Collection method: clinical testing. Allele origin: germline. Inheritance: Autosomal dominant inheritance. Observed: 4 variant alleles, 4 heterozygotes. Not counted in ClinVar's aggregate classification.
Comment: This missense variant replaces leucine with phenylalanine at codon 147 of the BRCA1 protein. Computational prediction suggests that this variant may not impact protein structure and function (internally defined REVEL score threshold <= 0.5, PMID: 27666373). One functional study has shown the mutant protein to exhibit normal function in its ability to complement BRCA1-deficiency in mouse embryonic stem cells (PMID: 23867111), while another study has shown the mutant protein to be defective in E3 ligase activity (PMID: 25823446). In addition to the potential impact on protein function, this variant alters the highly conserved guanine nucleotide at the last nucleotide position of exon 6 and is predicted to adversely impact RNA splicing at the adjacent splice donor site in intron 6 by multiple splicing prediction tools. In a RNA study using blood samples, this variant has been shown to cause the retention of intron 6 (referred to as intron 7 in the article based on the BIC nomenclature) and predicted to result in premature protein truncation (PMID: 30832263). This aberrant transcript accounted for 34% of overall gene expression in the patient sample and was undetectable in control samples. Subsequent RNA studies have reported no significant impact of this variant on RNA splicing (PMID: 31143303; unpublished study described in ClinVar SCV000275598.4). However, details of these RNA studies are not available for review. This variant is rare in the population and has been identified in 5/281702 chromosomes in the general population by the Genome Aggregation Database (gnomAD). This variant has been observed in individuals and/or families suspected of having hereditary breast and ovarian cancer (PMID: 23231788, 30832263; Color internal data), as well as in individuals unaffected with cancer (Color internal data). A large breast cancer case-control meta-analysis has reported the observation of this variant in 5/60466 cases and 3/53461 unaffected controls (OR=1.474, 95% CI: 0.352 to 6.167) (PMID: 33471991; Leiden Open Variation Database DB-ID BRCA1_001287). This variant has been observed in a proband in trans with a pathogenic variant in the same gene without clinical presentation of Fanconi anemia (unpublished study described in ClinVar SCV000275598.4). In summary, the functional studies have reported conflicting results regarding the variant impact on protein function and RNA splicing, and the clinical data are insufficient to determine conclusively whether this variant is associated with disease. It cannot be ruled out that this variant may be hypomorphic and present with a reduced risk of autosomal dominant hereditary cancer compared to typical pathogenic BRCA1 variants. However, due to conflicting supporting evidence available at this time, this variant is classified as a Variant of Uncertain Significance.

This study involves interpretation of variants in research participants for the purpose of population health screening. Participant phenotype was not available at the time of variant classification. Additional details can be found in publication PMID: 35346344, PMCID: PMC8962531

Ambry Genetics
Classification: Likely benign for Hereditary cancer-predisposing syndrome. Last evaluated: 2024-04-16. Review status: criteria provided, single submitter. Criteria: Ambry Variant Classification Scheme 2023. Collection method: clinical testing. Allele origin: germline. Not counted in ClinVar's aggregate classification.

Color Diagnostics, LLC DBA Color Health
Classification: Uncertain significance for Hereditary cancer-predisposing syndrome. Last evaluated: 2024-03-19. Review status: criteria provided, single submitter. Criteria: ACMG Guidelines, 2015. Collection method: clinical testing. Allele origin: germline. Not counted in ClinVar's aggregate classification.
Comment: This missense variant replaces leucine with phenylalanine at codon 147 of the BRCA1 protein. Computational prediction suggests that this variant may not impact protein structure and function. Functional and RNA studies have reported conflicting results for this variant. Functional studies have reported that the variant does not impact BRCA1 function in PARP inhibitor and cisplatin sensitivity assays and in a homology-directed DNA repair assay (PMID: 23867111, 32546644) while another study reported the disruption of BRCA1 ubiquitin ligase activity (PMID: 25823446). RNA findings are also conflicting with reported no impact on splicing (PMID: 31143303) and a partial splicing defect (PMID: 30832263). A large breast cancer case-control meta-analysis has detected this variant in 5/60466 cases and 3/53461 unaffected individuals with an inconclusive odds ratio = 1.474 (95%CI 0.352 to 6.167 and p-value=0.731) (PMID: 33471991; Leiden Open Variation Database DB-ID BRCA1_001287). This variant has been identified in 5/281702 chromosomes in the general population by the Genome Aggregation Database (gnomAD). The available evidence is insufficient to determine the role of this variant in disease conclusively. Therefore, this variant is classified as a Variant of Uncertain Significance.

Baylor Genetics
Classification: Uncertain significance for Breast-ovarian cancer, familial, susceptibility to, 1. Last evaluated: 2024-02-11. Review status: criteria provided, single submitter. Criteria: ACMG Guidelines, 2015. Collection method: clinical testing. Allele origin: unknown. Not counted in ClinVar's aggregate classification.

German Consortium for Hereditary Breast and Ovarian Cancer, University Hospital Cologne
Classification: Uncertain significance for Hereditary breast ovarian cancer syndrome. Last evaluated: 2023-12-19. Review status: criteria provided, single submitter. Criteria: ClinGen BRCA1 V1.0.0. Collection method: curation. Allele origin: germline. Not counted in ClinVar's aggregate classification.
Comment: . According to the ClinGen ENIGMA BRCA1 v1.0.0 criteria we chose this criterium: BS3 (strong benign): Contradictory functional data regarding splice effect. Protein function not affected ( neutral Bouwman P et al. Cancer Discov, 2013 Oct;3:1142-55) Class 3

GeneDx
Classification: Uncertain significance. Last evaluated: 2019-08-20. Review status: criteria provided, single submitter. Criteria: GeneDx Variant Classification Process June 2021. Collection method: clinical testing. Allele origin: germline. Affected: yes. Not counted in ClinVar's aggregate classification.
Comment: Not observed at a significant frequency in large population cohorts (Lek et al., 2016); In silico analysis, which includes protein predictors and evolutionary conservation, supports a deleterious effect; In-silico analysis, which includes splice predictors and evolutionary conservation, is inconclusive as to whether the variant alters gene splicing. In the absence of RNA/functional studies, the actual effect of this sequence change is unknown.; This variant is associated with the following publications: (PMID: 23231788, 23867111, 23034506, 19370767, 25823446, 31143303, 30832263)

ARUP Laboratories, Molecular Genetics and Genomics, ARUP Laboratories
Classification: Uncertain significance. Last evaluated: 2019-04-04. Review status: criteria provided, single submitter. Criteria: ARUP Molecular Germline Variant Investigation Process. Collection method: clinical testing. Allele origin: germline. Not counted in ClinVar's aggregate classification.
Comment: The BRCA1 c.441G>C; p.Leu147Phe variant (rs748876625) is reported in the literature in individuals with hereditary breast and ovarian cancer syndrome (Michils 2012, Moghadasi 2013), and reported multiple times in the LOVD BRCA1 database (see link). This variant is also reported in ClinVar (Variation ID: 220023). One functional study suggests the variant is neutral based on its ability to restore growth and cisplatin sensitivity in BRCA-null mouse embryonic stem cells (Bouwman 2013). However, another functional study suggests the variant is deleterious as the variant protein displays decreased E3 ligase activity compared to wild type protein (Starita 2015). This variant is found in the general population with an overall allele frequency of 0.002% (5/281702 alleles) in the Genome Aggregation Database. The leucine at codon 147 is highly conserved and the variant is located in the last nucleotide of the exon. Computational analyses (SIFT, PolyPhen-2, Alamut v.2.11) predict that this variant is deleterious and may alter splicing by weakening the nearby canonical donor splice site. However, based on available information, the significance of this variant is uncertain at this time. REFERENCES Bouwman P et al. A high-throughput functional complementation assay for classification of BRCA1 missense variants. Cancer Discov. 2013 Oct;3(10):1142-55. Link to LOVD BRCA1 database: Michils G et al. Molecular analysis of the breast cancer genes BRCA1 and BRCA2 using amplicon-based massive parallel pyrosequencing. J Mol Diagn. 2012 Nov;14(6):623-30. Moghadasi S et al. Variants of uncertain significance in BRCA1 and BRCA2 assessment of in silico analysis and a proposal for communication in genetic counselling. J Med Genet. 2013 Feb;50(2):74-9. Starita LM et al. Massively Parallel Functional Analysis of BRCA1 RING Domain Variants. Genetics. 2015 Jun;200(2):413-22.

Quest Diagnostics Nichols Institute San Juan Capistrano
Classification: Uncertain significance. Last evaluated: 2016-08-25. Review status: criteria provided, single submitter. Criteria: Quest Diagnostics criteria. Collection method: clinical testing. Allele origin: germline. Not counted in ClinVar's aggregate classification.

Molecular Genetics Laboratory, University of Michigan
Classification: Uncertain significance for Breast-ovarian cancer, familial, susceptibility to, 1. Last evaluated: 2016-04-21. Review status: criteria provided, single submitter. Criteria: ACMG Guidelines, 2015. Collection method: clinical testing. Allele origin: germline. Affected: yes. Not counted in ClinVar's aggregate classification.

Literature cited by the submitters: PubMed 25085752 (cited by Myriad Genetics, Inc.); PubMed 21520333 (cited by Labcorp Genetics (formerly Invitae), Labcorp); PubMed 23867111 (cited by 5 submitters); PubMed 25823446 (cited by 4 submitters); PubMed 32546644 (cited by Labcorp Genetics (formerly Invitae), Labcorp and Color Diagnostics, LLC DBA Color Health); PubMed 17576681 (cited by Labcorp Genetics (formerly Invitae), Labcorp); PubMed 9536098 (cited by Labcorp Genetics (formerly Invitae), Labcorp); PubMed 23231788 (cited by 3 submitters); PubMed 30832263 (cited by 3 submitters); PubMed 31143303 (cited by 3 submitters); PubMed 33471991 (cited by All of Us Research Program, National Institutes of Health and Color Diagnostics, LLC DBA Color Health); PubMed 19370767 (cited by Ambry Genetics and Quest Diagnostics Nichols Institute San Juan Capistrano); PubMed 23034506 (cited by Ambry Genetics and Quest Diagnostics Nichols Institute San Juan Capistrano).